The following is an entry in ClinVar:

ClinVar aggregate classification (germline): Uncertain significance (1 of 4 stars; one submission).

Conditions:
Epidermolysis bullosa simplex 3, localized or generalized intermediate, with BP230 deficiency (EBS3). Also called: Epidermolysis bullosa simplex due to BP230 deficiency; Epidermolysis bullosa simplex, autosomal recessive 2. Identifiers: Orphanet 412181, MedGen C3809470, MONDO:0014180, OMIM 615425.
Hereditary sensory and autonomic neuropathy type 6. Also called: HSAN VI; Neuropathy, hereditary sensory and autonomic, type VI. Identifiers: Orphanet 314381, MedGen C3539003, MONDO:0013839, OMIM 614653.

Allele frequency attached by ClinVar (database versions not stated): ExAC 0.00001; gnomAD exomes 0.00001; TOPMed 0.00001.
gnomAD v4.1: 4 of 1,613,682 alleles (0.00025%); highest among the groups gnomAD compares: Non-Finnish European, 0.00025%; no homozygotes.

Submission:

Labcorp Genetics (formerly Invitae), Labcorp
Classification: Uncertain significance for Epidermolysis bullosa simplex 3, localized or generalized intermediate, with BP230 deficiency; Hereditary sensory and autonomic neuropathy type 6. Last evaluated: 2025-05-18. Review status: criteria provided, single submitter. Criteria: Invitae Variant Classification Sherloc (09022015). Collection method: clinical testing. Allele origin: germline.
Comment: This sequence change replaces glutamic acid, which is acidic and polar, with aspartic acid, which is acidic and polar, at codon 1285 of the DST protein (p.Glu1285Asp). This variant is present in population databases (rs775641704, gnomAD 0.0009%). This variant has not been reported in the literature in individuals affected with DST-related conditions. ClinVar contains an entry for this variant (Variation ID: 658361). An algorithm developed to predict the effect of missense changes on protein structure and function (PolyPhen-2) suggests that this variant is likely to be disruptive. In summary, the available evidence is currently insufficient to determine the role of this variant in disease. Therefore, it has been classified as a Variant of Uncertain Significance.

NM_001723.7(DST):c.3855A>T (p.Glu1285Asp)

Gene: DST (dystonin; minus strand). Cytogenetic location: 6p12.1.
Variant type: single nucleotide variant.
Coding change: c.3855A>T on transcript NM_001723.7 (MANE Plus Clinical); coding-DNA position 3855, A replaced by T.
Protein change: p.Glu1285Asp; replaces glutamic acid 1285 with aspartic acid.
Molecular consequence: missense variant. On other transcripts: intron variant (10).
Genome position (GRCh38, 1-based): chr6:56,620,179, T>A on the plus strand (A>T on the coding strand, the complement: DST is on the minus strand). VCF-style: chr6-56620179-T-A. GRCh37 (hg19) VCF-style: chr6-56484977-T-A.
Other names: c.4830+4351A>T (NM_001144769.5); c.4929+4351A>T (NM_001374722.1, NM_001374736.1); c.4956+4351A>T (NM_001374734.1); c.4416+4351A>T (NM_001144770.2); c.4296+4351A>T (NM_001374730.1, NM_001386100.1, NM_183380.4 and 1 more transcripts); c.3318+4351A>T (NM_015548.5); short protein forms E1285D.
Identifiers: ClinVar variation 658361 (VCV000658361.9), dbSNP rs775641704, ClinGen allele CA3870640.
Genomic context (GRCh38, chr6:56,620,179, plus strand): 5'-TGCTACCTGTTTCTGAAATGCAAGGTCTTTTTCCATCTGCTTTATCAGCTTCAAGAGTTC[T>A]TCCTCATTGTCTCTCTTTCTTCTTAATTCTTCCATTAATTTATTTTTTTGTTGCTCCAAA-3'
Protein context (NP_001714.1, residues 1275-1295): EELRRKRDNE[Glu1285Asp]ELLKLIKQME